The following is an entry in ClinVar:

NM_198576.4(AGRN):c.3719C>A (p.Pro1240Gln)

Gene: AGRN (agrin; plus strand). Cytogenetic location: 1p36.33.
Variant type: single nucleotide variant.
Coding change: c.3719C>A on transcript NM_198576.4 (MANE Select); coding-DNA position 3719, C replaced by A.
Protein change: p.Pro1240Gln; replaces proline 1240 with glutamine.
Molecular consequence: missense variant.
Genome position (GRCh38, 1-based): chr1:1,047,863, C>A. VCF-style: chr1-1047863-C-A. GRCh37 (hg19) VCF-style: chr1-983243-C-A.
Other names: c.3719C>A, p.Pro1240Gln (NM_001305275.2); c.3404C>A, p.Pro1135Gln (NM_001364727.2); short protein forms P1240Q, P1135Q.
Identifiers: ClinVar variation 1409137 (VCV001409137.7), dbSNP rs142620337, ClinGen allele CA337851669.

ClinVar aggregate classification (germline): Uncertain significance (1 of 4 stars; one submission).

Conditions:
Congenital myasthenic syndrome 8. Also called: MYASTHENIC SYNDROME, CONGENITAL, DUE TO AGRIN DEFICIENCY; Myasthenic syndrome, congenital, 8, with pre- and postsynaptic defects. Identifiers: Orphanet 590, MedGen C3808739, MONDO:0014052, OMIM 615120.

gnomAD v4.1: 2 of 1,605,756 alleles (0.00012%); highest among the groups gnomAD compares: Admixed American, 0.0017%; no homozygotes.

Submission:

Labcorp Genetics (formerly Invitae), Labcorp
Classification: Uncertain significance for Congenital myasthenic syndrome 8. Last evaluated: 2021-02-09. Review status: criteria provided, single submitter. Criteria: Invitae Variant Classification Sherloc (09022015). Collection method: clinical testing. Allele origin: germline.
Comment: This sequence change replaces proline with glutamine at codon 1240 of the AGRN protein (p.Pro1240Gln). The proline residue is highly conserved and there is a moderate physicochemical difference between proline and glutamine. This variant is not present in population databases (ExAC no frequency). This variant has not been reported in the literature in individuals with AGRN-related conditions. Algorithms developed to predict the effect of missense changes on protein structure and function are either unavailable or do not agree on the potential impact of this missense change (SIFT: "Deleterious"; PolyPhen-2: "Probably Damaging"; Align-GVGD: "Class C0"). In summary, the available evidence is currently insufficient to determine the role of this variant in disease. Therefore, it has been classified as a Variant of Uncertain Significance.